The following is an entry in ClinVar:

NM_002520.7(NPM1):c.495_497del (p.Asp168del)

Gene: NPM1 (nucleophosmin 1; plus strand). Cytogenetic location: 5q35.1.
Variant type: Deletion.
Coding change: c.495_497del on transcript NM_002520.7 (MANE Select); coding-DNA positions 495 to 497, 3 bases deleted (CGA; older notation c.495_497delCGA).
Protein change: p.Asp168del; deletes aspartic acid 168.
Molecular consequence: inframe deletion.
Genome position (GRCh38, 1-based): chr5:171,392,949-171,392,951, CGA deleted; deleting any 3 consecutive bases within chr5:171,392,947-171,392,951 gives the same sequence; the c. name uses the placement nearest the transcript's 3' end. VCF-style (leftmost placement, unchanged base first): chr5-171392946-TGAC-T. GRCh37 (hg19) VCF-style: chr5-170819950-TGAC-T.
Other names: c.495_497del, p.Asp168del (NM_001037738.3, NM_001355006.2, NM_001355009.2 and 1 more transcripts); c.303_305del, p.Asp104del (NM_001355007.2); c.201_203del, p.Asp70del (NM_001355010.2); short protein forms D104del, D168del, D70del.
Identifiers: ClinVar variation 3351226 (VCV003351226.1).

ClinVar aggregate classification (germline): Uncertain significance (0 of 4 stars; one submission).

Conditions:
NPM1-related disorder. Also called: NPM1-related condition.

Submission:

PreventionGenetics, part of Exact Sciences
Classification: Uncertain significance for NPM1-related condition. Last evaluated: 2024-05-21. Review status: no assertion criteria provided. Collection method: clinical testing. Allele origin: germline.
Comment: The NPM1 c.495_497delCGA variant is predicted to result in an in-frame deletion (p.Asp168del). This variant has been reported in an individual with myelodysplastic syndrome (Gutierrez-Rodrigues et al. 2022. PubMed ID: 34587721. Table S4). This variant is reported in 0.0062% of alleles in individuals of European (Non-Finnish) descent in gnomAD. At this time, the clinical significance of this variant is uncertain due to the absence of conclusive functional and genetic evidence.